The following is an entry in ClinVar:

ClinVar aggregate classification (germline): Uncertain significance. Review status: criteria provided, multiple submitters, no conflicts (2 of 4 stars). 2 submissions from 2 submitters: Uncertain significance (2). Last evaluated 2024-10-29.

Conditions:
Inborn genetic diseases. Identifiers: MedGen C0950123, MeSH D030342.

gnomAD v4.1: 22 of 1,611,508 alleles (0.0014%); highest among the groups gnomAD compares: East Asian, 0.0022%; no homozygotes.

Submissions (2):

Ambry Genetics
Classification: Uncertain significance for Inborn genetic diseases. Last evaluated: 2024-10-29. Review status: criteria provided, single submitter. Criteria: Ambry Variant Classification Scheme 2023. Collection method: clinical testing. Allele origin: germline.

Labcorp Genetics (formerly Invitae), Labcorp
Classification: Uncertain significance. Last evaluated: 2024-04-25. Review status: criteria provided, single submitter. Criteria: Invitae Variant Classification Sherloc (09022015). Collection method: clinical testing. Allele origin: germline.
Comment: This sequence change replaces glycine, which is neutral and non-polar, with serine, which is neutral and polar, at codon 412 of the LTBP2 protein (p.Gly412Ser). This variant is present in population databases (rs761901793, gnomAD 0.008%). This variant has not been reported in the literature in individuals affected with LTBP2-related conditions. An algorithm developed to predict the effect of missense changes on protein structure and function (PolyPhen-2) suggests that this variant is likely to be disruptive. In summary, the available evidence is currently insufficient to determine the role of this variant in disease. Therefore, it has been classified as a Variant of Uncertain Significance.

NM_000428.3(LTBP2):c.1234G>A (p.Gly412Ser)

Gene: LTBP2 (latent transforming growth factor beta binding protein 2; minus strand). Cytogenetic location: 14q24.3.
Variant type: single nucleotide variant.
Coding change: c.1234G>A on transcript NM_000428.3 (MANE Select); coding-DNA position 1234, G replaced by A.
Protein change: p.Gly412Ser; replaces glycine 412 with serine.
Molecular consequence: missense variant.
Genome position (GRCh38, 1-based): chr14:74,552,352, C>T on the plus strand (G>A on the coding strand, the complement: LTBP2 is on the minus strand). VCF-style: chr14-74552352-C-T. GRCh37 (hg19) VCF-style: chr14-75019055-C-T.
Other names: short protein forms G412S.
Identifiers: ClinVar variation 3541056 (VCV003541056.2).